The following is an entry in ClinVar:

ClinVar aggregate classification (germline): Uncertain significance. Review status: criteria provided, multiple submitters, no conflicts (2 of 4 stars). 2 submissions from 2 submitters: Uncertain significance (2). Last evaluated 2024-04-10.

Submissions (2):

Labcorp Genetics (formerly Invitae), Labcorp
Classification: Uncertain significance. Last evaluated: 2024-04-10. Review status: criteria provided, single submitter. Criteria: Invitae Variant Classification Sherloc (09022015). Collection method: clinical testing. Allele origin: germline.
Comment: This sequence change replaces alanine, which is neutral and non-polar, with valine, which is neutral and non-polar, at codon 2198 of the POLE protein (p.Ala2198Val). This variant is not present in population databases (gnomAD no frequency). This variant has not been reported in the literature in individuals affected with POLE-related conditions. ClinVar contains an entry for this variant (Variation ID: 1306537). Advanced modeling of protein sequence and biophysical properties (such as structural, functional, and spatial information, amino acid conservation, physicochemical variation, residue mobility, and thermodynamic stability) performed at Invitae indicates that this missense variant is not expected to disrupt POLE protein function with a negative predictive value of 80%. In summary, the available evidence is currently insufficient to determine the role of this variant in disease. Therefore, it has been classified as a Variant of Uncertain Significance.

GeneDx
Classification: Uncertain significance. Last evaluated: 2019-06-14. Review status: criteria provided, single submitter. Criteria: GeneDx Variant Classification Process June 2021. Collection method: clinical testing. Allele origin: germline. Affected: yes.
Comment: Not observed in large population cohorts (Lek et al., 2016); In silico analysis, which includes protein predictors and evolutionary conservation, supports that this variant does not alter protein structure/function; Has not been previously published as pathogenic or benign to our knowledge

NM_006231.4(POLE):c.6593C>T (p.Ala2198Val)

Gene: POLE (DNA polymerase epsilon, catalytic subunit; minus strand). Cytogenetic location: 12q24.33.
Variant type: single nucleotide variant.
Coding change: c.6593C>T on transcript NM_006231.4 (MANE Select); coding-DNA position 6593, C replaced by T.
Protein change: p.Ala2198Val; replaces alanine 2198 with valine.
Molecular consequence: missense variant.
Genome position (GRCh38, 1-based): chr12:132,625,709, G>A on the plus strand (C>T on the coding strand, the complement: POLE is on the minus strand). VCF-style: chr12-132625709-G-A. GRCh37 (hg19) VCF-style: chr12-133202295-G-A.
Other names: short protein forms A2198V.
Identifiers: ClinVar variation 1306537 (VCV001306537.9), dbSNP rs1555301083, ClinGen allele CA387366666.